The following is an entry in ClinVar:

NM_004064.5(CDKN1B):c.372C>T (p.Asn124=)

Gene: CDKN1B (cyclin dependent kinase inhibitor 1B; plus strand). Cytogenetic location: 12p13.1.
Variant type: single nucleotide variant.
Coding change: c.372C>T on transcript NM_004064.5 (MANE Select); coding-DNA position 372, C replaced by T.
Protein change: p.Asn124=; no amino-acid change (asparagine 124 retained).
Molecular consequence: synonymous variant.
Genome position (GRCh38, 1-based): chr12:12,718,211, C>T. VCF-style: chr12-12718211-C-T. GRCh37 (hg19) VCF-style: chr12-12871145-C-T.
Identifiers: ClinVar variation 1125513 (VCV001125513.13), dbSNP rs760081465, ClinGen allele CA478845728.

ClinVar aggregate classification (germline): Conflicting classifications of pathogenicity. Review status: criteria provided, conflicting classifications (1 of 4 stars). 4 submissions from 4 submitters: Uncertain significance (1); Likely benign (3). Last evaluated 2025-10-15.

Conditions:
Hereditary cancer-predisposing syndrome. Also called: Neoplastic Syndromes, Hereditary; Tumor predisposition; Hereditary Cancer Syndrome; Hereditary neoplastic syndrome. Identifiers: Orphanet 140162, MedGen C0027672, MeSH D009386, MONDO:0015356.
Multiple endocrine neoplasia type 4. Also called: MULTIPLE ENDOCRINE NEOPLASIA, TYPE IV. Identifiers: Orphanet 276152, MedGen C1970712, MONDO:0012552, OMIM 610755.

Allele frequency attached by ClinVar (database versions not stated): gnomAD exomes 0.00001.

Submissions (4):

Labcorp Genetics (formerly Invitae), Labcorp
Classification: Likely benign for Multiple endocrine neoplasia type 4. Last evaluated: 2025-10-15. Review status: criteria provided, single submitter. Criteria: Invitae Variant Classification Sherloc (09022015). Collection method: clinical testing. Allele origin: germline.

Quest Diagnostics Nichols Institute San Juan Capistrano
Classification: Likely benign. Last evaluated: 2024-12-02. Review status: criteria provided, single submitter. Criteria: Quest Diagnostics criteria. Collection method: clinical testing. Allele origin: unknown.

Ambry Genetics
Classification: Likely benign for Hereditary cancer-predisposing syndrome. Last evaluated: 2022-03-03. Review status: criteria provided, single submitter. Criteria: Ambry Variant Classification Scheme 2023. Collection method: clinical testing. Allele origin: germline.

Sema4
Classification: Uncertain significance for Hereditary cancer-predisposing syndrome. Last evaluated: 2021-12-17. Review status: criteria provided, single submitter. Criteria: Sema4 Curation Guidelines. Collection method: curation. Allele origin: germline.
Comment: The CDKN1B c.372C>T (p.N124=) variant has not been reported in the literature to our knowledge. It was observed in 2/34482 chromosomes of the Latino subpopulation in the large and broad cohorts of the Genome Aggregation Database (PMID: 32461654). The variant has been reported in ClinVar (Variation ID 1125513). In silico tools suggest that the variant does not impact splicing, though these predictions have not been confirmed by functional studies and the variant is moderately conserved. The evidence is insufficient to meet ACMG/AMP criteria for classifying the variant as benign or pathogenic. Thus, the clinical significance of this variant is currently uncertain.